The following is an entry in ClinVar:

ClinVar aggregate classification (germline): Likely benign (1 of 4 stars; one submission).

Allele frequency attached by ClinVar (database versions not stated): gnomAD exomes 0.00090; gnomAD 0.01059 and 0.01148; 1000 Genomes Project 0.01098; TOPMed 0.01117; 1000 Genomes Project 30x 0.01156.
gnomAD v4.1: 2,932 of 1,562,064 alleles (0.19%); highest among the groups gnomAD compares: African/African-American, 3.5%; 44 homozygotes.

Submission:

GeneDx
Classification: Likely benign. Last evaluated: 2018-06-16. Review status: criteria provided, single submitter. Criteria: GeneDx Variant Classification (06012015). Collection method: clinical testing. Allele origin: germline. Affected: yes.
Comment: This variant is considered likely benign or benign based on one or more of the following criteria: it is a conservative change, it occurs at a poorly conserved position in the protein, it is predicted to be benign by multiple in silico algorithms, and/or has population frequency not consistent with disease.

NM_005751.5(AKAP9):c.9214-67T>A

Gene: AKAP9 (A-kinase anchoring protein 9; plus strand). Cytogenetic location: 7q21.2.
Variant type: single nucleotide variant.
Coding change: c.9214-67T>A on transcript NM_005751.5 (MANE Select); 67 bases into the intron before coding-DNA position 9214, T replaced by A.
Molecular consequence: intron variant.
Genome position (GRCh38, 1-based): chr7:92,089,318, T>A. VCF-style: chr7-92089318-T-A. GRCh37 (hg19) VCF-style: chr7-91718632-T-A.
Other names: c.9190-67T>A (NM_147185.3); c.3859-67T>A (NM_001379277.1).
Identifiers: ClinVar variation 674646 (VCV000674646.1), dbSNP rs80055200, ClinGen allele CA161890243.